The following is an entry in ClinVar:

NM_001369.3(DNAH5):c.13319_13320insA (p.Ala4442fs)

Gene: DNAH5 (dynein axonemal heavy chain 5; minus strand). Cytogenetic location: 5p15.2.
Variant type: Insertion.
Coding change: c.13319_13320insA on transcript NM_001369.3 (MANE Select); coding-DNA positions 13319 to 13320, A inserted.
Protein change: p.Ala4442fs; shifts the reading frame from alanine 4442.
Molecular consequence: frameshift variant.
Genome position: GRCh38 VCF-style: chr5-13708141-G-GT. GRCh37 (hg19) VCF-style: chr5-13708250-G-GT.
Other names: short protein forms A4442fs.
Identifiers: ClinVar variation 4814862 (VCV004814862.1).

ClinVar aggregate classification (germline): Likely pathogenic (1 of 4 stars; one submission).

Conditions:
Primary ciliary dyskinesia. Also called: Ciliary dyskinesia. Identifiers: Orphanet 244, MedGen C0008780, MONDO:0016575, HP:0012265.

Submission:

Natera, Inc.
Classification: Likely pathogenic for Primary ciliary dyskinesia. Last evaluated: 2024-03-08. Review status: criteria provided, single submitter. Criteria: Natera Variant Classification Schema (03/2026). Collection method: clinical testing. Allele origin: germline.
Comment: The c.13319_13320insA variant in DNAH5 is a frameshift variant predicted to shift the reading frame beginning at codon 4442 and leads to a stop codon 11 codons downstream. This variant is expected to result in nonsense mediated decay, truncation, or a dysfunctional protein product. This variant is rare in the general population with a frequency below the threshold expected for the associated phenotype(s). Given the available evidence, this variant is classified as Likely Pathogenic.